The following is an entry in ClinVar:

ClinVar aggregate classification (germline): Uncertain significance (1 of 4 stars; one submission).

Conditions:
ALG12-congenital disorder of glycosylation (CDG1G). Also called: CDG Ig; ALG12-CDG; Congenital disorder of glycosylation, type Ig. Identifiers: Orphanet 79324, MedGen C2931001, MONDO:0011783, OMIM 607143.

Submission:

Labcorp Genetics (formerly Invitae), Labcorp
Classification: Uncertain significance for ALG12-congenital disorder of glycosylation. Last evaluated: 2022-06-13. Review status: criteria provided, single submitter. Criteria: Invitae Variant Classification Sherloc (09022015). Collection method: clinical testing. Allele origin: germline.
Comment: This sequence change affects codon 32 of the ALG12 mRNA. It is a 'silent' change, meaning that it does not change the encoded amino acid sequence of the ALG12 protein. This variant is not present in population databases (gnomAD no frequency). This variant has not been reported in the literature in individuals affected with ALG12-related conditions. Algorithms developed to predict the effect of sequence changes on RNA splicing suggest that this variant may create or strengthen a splice site. In summary, the available evidence is currently insufficient to determine the role of this variant in disease. Therefore, it has been classified as a Variant of Uncertain Significance.

NM_024105.4(ALG12):c.96A>G (p.Lys32=)

Gene: ALG12 (ALG12 alpha-1,6-mannosyltransferase; minus strand). Cytogenetic location: 22q13.33.
Variant type: single nucleotide variant.
Coding change: c.96A>G on transcript NM_024105.4 (MANE Select); coding-DNA position 96, A replaced by G.
Protein change: p.Lys32=; no amino-acid change (lysine 32 retained).
Molecular consequence: synonymous variant.
Genome position (GRCh38, 1-based): chr22:49,913,670, T>C on the plus strand (A>G on the coding strand, the complement: ALG12 is on the minus strand). VCF-style: chr22-49913670-T-C. GRCh37 (hg19) VCF-style: chr22-50307318-T-C.
Identifiers: ClinVar variation 1429778 (VCV001429778.6), dbSNP rs2146614770, ClinGen allele CA515106058.